The following is an entry in ClinVar:

ClinVar aggregate classification (germline): Likely benign (1 of 4 stars; one submission).

Conditions:
Familial cancer of breast. Also called: hereditary breast carcinoma; BREAST CANCER, FAMILIAL; Hereditary breast cancer. Identifiers: Orphanet 227535, MedGen C0346153, MONDO:0016419, OMIM 114480. Disease mechanism: loss of function.

Submission:

Myriad Genetics, Inc.
Classification: Likely benign for Familial cancer of breast. Last evaluated: 2024-06-18. Review status: criteria provided, single submitter. Criteria: Myriad Autosomal Dominant, Autosomal Recessive and X-Linked Classification Criteria (2023). Collection method: clinical testing. Allele origin: unknown.
Comment: This variant is considered likely benign. This variant is intronic and is not expected to impact mRNA splicing.

NM_000051.4(ATM):c.8011-5A>C

Genes: ATM (ATM serine/threonine kinase; plus strand), C11orf65 (chromosome 11 open reading frame 65; minus strand). Cytogenetic location: 11q22.3.
Variant type: single nucleotide variant.
Coding change: c.8011-5A>C on transcript NM_000051.4 (MANE Select); 5 bases into the intron before coding-DNA position 8011, A replaced by C.
Molecular consequence: intron variant.
Genome position (GRCh38, 1-based): chr11:108,334,964, A>C. VCF-style: chr11-108334964-A-C. GRCh37 (hg19) VCF-style: chr11-108205691-A-C.
Other names: c.8011-5A>C (NM_001351834.2); c.641-25893T>G (NM_001330368.2); c.*38+256T>G (NM_001351110.2).
Identifiers: ClinVar variation 3254280 (VCV003254280.1), dbSNP rs2136651958.